The following is an entry in ClinVar:

ClinVar aggregate classification (germline): Uncertain significance. Review status: criteria provided, multiple submitters, no conflicts (2 of 4 stars). 3 submissions from 3 submitters: Uncertain significance (3). Last evaluated 2023-02-22.

Conditions:
Nephronophthisis. Also called: Juvenile Nephronophthisis. Identifiers: Orphanet 655, MedGen C0687120, MONDO:0019005, HP:0000090.
Inborn genetic diseases. Identifiers: MedGen C0950123, MeSH D030342.
Infantile nephronophthisis (NPHP2). Also called: Nephronophthisis 2; Nephronophthisis 2, infantile. Identifiers: Orphanet 655, Orphanet 93591, MedGen C1865872, MONDO:0011190, OMIM 602088.

Allele frequency attached by ClinVar (database versions not stated): ESP Exome Variant Server 0.00015.

Submissions (3):

Ambry Genetics
Classification: Uncertain significance for Inborn genetic diseases. Last evaluated: 2023-02-22. Review status: criteria provided, single submitter. Criteria: Ambry Variant Classification Scheme 2023. Collection method: clinical testing. Allele origin: germline.

Fulgent Genetics
Classification: Uncertain significance for Infantile nephronophthisis. Last evaluated: 2022-03-15. Review status: criteria provided, single submitter. Criteria: ACMG Guidelines, 2015. Collection method: clinical testing. Allele origin: unknown.

Labcorp Genetics (formerly Invitae), Labcorp
Classification: Uncertain significance for Nephronophthisis. Last evaluated: 2021-10-10. Review status: criteria provided, single submitter. Criteria: Invitae Variant Classification Sherloc (09022015). Collection method: clinical testing. Allele origin: germline.
Comment: This sequence change replaces glycine with serine at codon 547 of the INVS protein (p.Gly547Ser). The glycine residue is highly conserved and there is a small physicochemical difference between glycine and serine. This variant is present in population databases (rs368682890, ExAC 0.01%). This variant has not been reported in the literature in individuals affected with INVS-related conditions. Algorithms developed to predict the effect of missense changes on protein structure and function (SIFT, PolyPhen-2, Align-GVGD) all suggest that this variant is likely to be disruptive. In summary, the available evidence is currently insufficient to determine the role of this variant in disease. Therefore, it has been classified as a Variant of Uncertain Significance.

NM_014425.5(INVS):c.1639G>A (p.Gly547Ser)

Gene: INVS (inversin; plus strand). Cytogenetic location: 9q31.1.
Variant type: single nucleotide variant.
Coding change: c.1639G>A on transcript NM_014425.5 (MANE Select); coding-DNA position 1639, G replaced by A.
Protein change: p.Gly547Ser; replaces glycine 547 with serine.
Molecular consequence: missense variant. On other transcripts: non-coding transcript variant (1).
Genome position (GRCh38, 1-based): chr9:100,272,931, G>A. VCF-style: chr9-100272931-G-A. GRCh37 (hg19) VCF-style: chr9-103035213-G-A.
Other names: c.1351G>A, p.Gly451Ser (NM_001318381.2); c.661G>A, p.Gly221Ser (NM_001318382.2); c.1639G>A (NM_014425.2); short protein forms G547S, G221S, G451S.
Identifiers: ClinVar variation 1390672 (VCV001390672.5), dbSNP rs368682890, ClinGen allele CA5158456.